The following is an entry in ClinVar:

ClinVar aggregate classification (germline): Uncertain significance (1 of 4 stars; one submission).

Allele frequency attached by ClinVar (database versions not stated): ExAC 0.00002; gnomAD 0.00002; gnomAD exomes 0.00002; TOPMed 0.00002; 1000 Genomes Project 30x 0.00016; 1000 Genomes Project 0.00020.

Submission:

Labcorp Genetics (formerly Invitae), Labcorp
Classification: Uncertain significance. Last evaluated: 2022-07-07. Review status: criteria provided, single submitter. Criteria: Invitae Variant Classification Sherloc (09022015). Collection method: clinical testing. Allele origin: germline.
Comment: This sequence change replaces alanine, which is neutral and non-polar, with threonine, which is neutral and polar, at codon 85 of the UPB1 protein (p.Ala85Thr). This variant is present in population databases (rs565810399, gnomAD 0.01%). This variant has not been reported in the literature in individuals affected with UPB1-related conditions. Algorithms developed to predict the effect of missense changes on protein structure and function output the following: SIFT: "Tolerated"; PolyPhen-2: "Benign"; Align-GVGD: "Class C0". The threonine amino acid residue is found in multiple mammalian species, which suggests that this missense change does not adversely affect protein function. In summary, the available evidence is currently insufficient to determine the role of this variant in disease. Therefore, it has been classified as a Variant of Uncertain Significance.

NM_016327.3(UPB1):c.253G>A (p.Ala85Thr)

Gene: UPB1 (beta-ureidopropionase 1; plus strand). Cytogenetic location: 22q11.23.
Variant type: single nucleotide variant.
Coding change: c.253G>A on transcript NM_016327.3 (MANE Select); coding-DNA position 253, G replaced by A.
Protein change: p.Ala85Thr; replaces alanine 85 with threonine.
Molecular consequence: missense variant.
Genome position (GRCh38, 1-based): chr22:24,500,255, G>A. VCF-style: chr22-24500255-G-A. GRCh37 (hg19) VCF-style: chr22-24896223-G-A.
Other names: short protein forms A85T.
Identifiers: ClinVar variation 1990759 (VCV001990759.4), dbSNP rs565810399, ClinGen allele CA10153050.